The following is an entry in ClinVar:

ClinVar aggregate classification (germline): Benign. Review status: criteria provided, multiple submitters, no conflicts (2 of 4 stars). 3 submissions from 3 submitters: Benign (2). 1 of the submissions does not count toward it. Last evaluated 2026-01-28.

Conditions:
FBN3-related disorder. Also called: FBN3-related condition.

Allele frequency attached by ClinVar (database versions not stated): gnomAD exomes 0.00449; ExAC 0.01369; 1000 Genomes Project 0.01577; ESP Exome Variant Server 0.01785; gnomAD 0.01796 and 0.01737; TOPMed 0.01839; 1000 Genomes Project 30x 0.01733.
gnomAD v4.1: 5,086 of 1,409,672 alleles (0.36%); highest among the groups gnomAD compares: African/African-American, 6.2%; 127 homozygotes.

Submissions (3):

Labcorp Genetics (formerly Invitae), Labcorp
Classification: Benign. Last evaluated: 2026-01-28. Review status: criteria provided, single submitter. Criteria: Invitae Variant Classification Sherloc (09022015). Collection method: clinical testing. Allele origin: germline.

Breakthrough Genomics
Classification: Benign. Review status: criteria provided, single submitter. Criteria: ACMG Guidelines, 2015. Collection method: not provided. Allele origin: germline. Inheritance: Unknown mechanism. Affected: yes.

PreventionGenetics, part of Exact Sciences
Classification: Benign for FBN3-related condition. Last evaluated: 2019-10-28. Review status: no assertion criteria provided. Collection method: clinical testing. Allele origin: germline. Not counted in ClinVar's aggregate classification.
Comment: This variant is classified as benign based on ACMG/AMP sequence variant interpretation guidelines (Richards et al. 2015 PMID: 25741868, with internal and published modifications).

NM_032447.5(FBN3):c.1560C>T (p.Phe520=)

Gene: FBN3 (fibrillin 3; minus strand). Cytogenetic location: 19p13.2.
Variant type: single nucleotide variant.
Coding change: c.1560C>T on transcript NM_032447.5 (MANE Select); coding-DNA position 1560, C replaced by T.
Protein change: p.Phe520=; no amino-acid change (phenylalanine 520 retained).
Molecular consequence: synonymous variant.
Genome position (GRCh38, 1-based): chr19:8,135,992, G>A on the plus strand (C>T on the coding strand, the complement: FBN3 is on the minus strand). VCF-style: chr19-8135992-G-A. GRCh37 (hg19) VCF-style: chr19-8200876-G-A.
Other names: c.1560C>T (NM_001321431.1); c.1560C>T, p.Phe520= (NM_001321431.2).
Identifiers: ClinVar variation 1601312 (VCV001601312.11), dbSNP rs75321439, ClinGen allele CA9153275.